The following is an entry in ClinVar:

NM_001017979.3(RAB28):c.23G>A (p.Ser8Asn)

Genes: RAB28 (RAB28, member RAS oncogene family; minus strand), LOC111828517 (Sharpr-MPRA regulatory regions 1971 and 3941; plus strand). Cytogenetic location: 4p15.33.
Variant type: single nucleotide variant.
Coding change: c.23G>A on transcript NM_001017979.3 (MANE Select); coding-DNA position 23, G replaced by A.
Protein change: p.Ser8Asn; replaces serine 8 with asparagine.
Molecular consequence: missense variant.
Genome position (GRCh38, 1-based): chr4:13,484,128, C>T on the plus strand (G>A on the coding strand, the complement: RAB28 is on the minus strand). VCF-style: chr4-13484128-C-T. GRCh37 (hg19) VCF-style: chr4-13485752-C-T.
Other names: c.23G>A (NM_001017979.2); c.23G>A, p.Ser8Asn (NM_001159601.2, NM_004249.4); short protein forms S8N.
Identifiers: ClinVar variation 1053578 (VCV001053578.9), dbSNP rs550114450, ClinGen allele CA2860246.
Genomic context (GRCh38, chr4:13,484,128, plus strand): 5'-GGACTGACCTTCCCGGAGGCGCCGTCCCCCAGCACGACGATTTTCAGTTGCCGGTCCTGG[C>T]TCTCCTCCTCAGAGTCCGACATGGTGTCCCGGGAACCAGGCCCGCCCCTCGAGGTGGGGG-3'
Protein context (NP_001017979.1, residues 1-18): MSDSEEE[Ser8Asn]QDRQLKIVVL

ClinVar aggregate classification (germline): Uncertain significance. Review status: criteria provided, multiple submitters, no conflicts (2 of 4 stars). 3 submissions from 3 submitters: Uncertain significance (3). Last evaluated 2024-07-09.

Allele frequency attached by ClinVar (database versions not stated): gnomAD exomes 0.00001; ExAC 0.00002; TOPMed 0.00006; gnomAD 0.00011; 1000 Genomes Project 0.00020; 1000 Genomes Project 30x 0.00047.
gnomAD v4.1: 23 of 1,596,178 alleles (0.0014%); highest among the groups gnomAD compares: African/African-American, 0.028%; no homozygotes.

Submissions (3):

Ambry Genetics
Classification: Uncertain significance. Last evaluated: 2024-07-09. Review status: criteria provided, single submitter. Criteria: Ambry Variant Classification Scheme 2023. Collection method: clinical testing. Allele origin: germline.

Blueprint Genetics
Classification: Uncertain significance. Last evaluated: 2022-09-16. Review status: criteria provided, single submitter. Criteria: ACMG Guidelines, 2015. Collection method: clinical testing. Allele origin: germline.

Labcorp Genetics (formerly Invitae), Labcorp
Classification: Uncertain significance. Last evaluated: 2022-08-09. Review status: criteria provided, single submitter. Criteria: Invitae Variant Classification Sherloc (09022015). Collection method: clinical testing. Allele origin: germline.
Comment: In summary, the available evidence is currently insufficient to determine the role of this variant in disease. Therefore, it has been classified as a Variant of Uncertain Significance. Algorithms developed to predict the effect of missense changes on protein structure and function (SIFT, PolyPhen-2, Align-GVGD) all suggest that this variant is likely to be tolerated. ClinVar contains an entry for this variant (Variation ID: 1053578). This variant has not been reported in the literature in individuals affected with RAB28-related conditions. The frequency data for this variant in the population databases is considered unreliable, as metrics indicate poor data quality at this position in the gnomAD database. This sequence change replaces serine, which is neutral and polar, with asparagine, which is neutral and polar, at codon 8 of the RAB28 protein (p.Ser8Asn).